The following is an entry in ClinVar:

ClinVar aggregate classification (germline): Likely pathogenic (1 of 4 stars; one submission).

Conditions:
Cobblestone lissencephaly without muscular or ocular involvement. Also called: Lissencephaly 5; LEUKOENCEPHALOPATHY WITH VARIABLE CORTICAL BRAIN MALFORMATIONS AND/OR HYDROCEPHALUS. Identifiers: Orphanet 352682, MedGen C3554657, MONDO:0014077, OMIM 615191.

gnomAD v4.1: 7 of 1,599,094 alleles (0.00044%); highest among the groups gnomAD compares: Admixed American, 0.0017%; no homozygotes.

Submission:

Victorian Clinical Genetics Services, Murdoch Childrens Research Institute
Classification: Likely pathogenic for Cobblestone lissencephaly without muscular or ocular involvement. Last evaluated: 2025-07-11. Review status: criteria provided, single submitter. Criteria: ACMG Guidelines, 2015. Collection method: clinical testing. Allele origin: germline.
Comment: This variant is classified as Likely pathogenic. Evidence in support of pathogenic classification: Canonical splice site variant without proven consequence on splicing (no functional evidence available); Variant is present in gnomAD <0.01 (v4: 7 heterozygote(s), 0 homozygote(s)); Abnormal splicing is predicted by in silico tool and affected nucleotide is highly conserved. Additional information: This variant is heterozygous; This gene is associated with both recessive and dominant disease. Lissencephaly 5 (MIM#615191) is associated with autosomal recessive inheritance (OMIM). Leukodystrophy (MONDO:0019046), LAMB1-related has been reported in families with monoallelic variants (PMID: 34606115); Alternative nucleotide change(s) at the same canonical splice site are present in gnomAD (highest allele count: v4: 2 heterozygote(s), 0 homozygote(s)); This variant has no previous evidence of pathogenicity; No published evidence of segregation with disease has been identified for this variant; No published functional evidence has been identified for this variant; No comparable splice variants have previous evidence for pathogenicity; Loss of function is a known mechanism of disease in this gene and is associated with lissencephaly 5 (MIM#615191). Dominant negative is the suggested mechanism for leukodystrophy (MONDO:0019046), LAMB1-related, however, no functional studies have been performed to confirm dominant negative as a mechanism of disease (PMID: 34606115).

Literature cited by the submitters: PubMed 34606115.

NM_002291.3(LAMB1):c.4537+1G>A

Gene: LAMB1 (laminin subunit beta 1; minus strand). Cytogenetic location: 7q31.1.
Variant type: single nucleotide variant.
Coding change: c.4537+1G>A on transcript NM_002291.3 (MANE Select); the canonical splice donor site of the intron after coding-DNA position 4537, G replaced by A.
Molecular consequence: splice donor variant.
Genome position (GRCh38, 1-based): chr7:107,931,355, C>T on the plus strand (G>A on the coding strand, the complement: LAMB1 is on the minus strand). VCF-style: chr7-107931355-C-T. GRCh37 (hg19) VCF-style: chr7-107571800-C-T.
Identifiers: ClinVar variation 4532053 (VCV004532053.1).